The following is an entry in ClinVar:

NM_001370298.3(FGD4):c.1304T>G (p.Met435Arg)

Gene: FGD4 (FYVE, RhoGEF and PH domain containing 4; plus strand). Cytogenetic location: 12p11.21.
Variant type: single nucleotide variant.
Coding change: c.1304T>G on transcript NM_001370298.3 (MANE Select); coding-DNA position 1304, T replaced by G.
Protein change: p.Met435Arg; replaces methionine 435 with arginine.
Molecular consequence: missense variant. On other transcripts: 5 prime UTR variant (1).
Genome position (GRCh38, 1-based): chr12:32,602,217, T>G. VCF-style: chr12-32602217-T-G. GRCh37 (hg19) VCF-style: chr12-32755151-T-G.
Other names: 893T-G; c.1148T>G, p.Met383Arg (NM_001304481.2); c.149T>G, p.Met50Arg (NM_001304483.2); c.-159T>G (NM_001304484.2); c.614T>G, p.Met205Arg (NM_001330373.2, NM_001330374.2, NM_001384130.1); c.341T>G, p.Met114Arg (NM_001370297.1); c.1304T>G, p.Met435Arg (NM_001384126.1); c.893T>G, p.Met298Arg (NM_001384127.1, NM_001384128.1, NM_001385118.1 and 1 more transcripts); short protein forms M298R, M383R, M50R, M205R, M114R, M435R.
Identifiers: ClinVar variation 38445 (VCV000038445.15), dbSNP rs63749871, ClinGen allele CA343103.

ClinVar aggregate classification (germline): Pathogenic. Review status: criteria provided, single submitter (1 of 4 stars). 5 submissions from 5 submitters: Pathogenic (1). 4 of the submissions do not count toward it. Last evaluated 2022-08-10.

Conditions:
Charcot-Marie-Tooth disease. Also called: Charcot-Marie-Tooth Hereditary Neuropathy; Charcot-Marie-Tooth Neuropathy. Identifiers: Orphanet 166, MedGen C0007959, MONDO:0015626.
Charcot-Marie-Tooth disease type 4. Also called: Charcot-Marie-Tooth, Type 4; Charcot-Marie-Tooth disease, type IV. Identifiers: Orphanet 64749, MedGen C4082197, MONDO:0018995.
Charcot-Marie-Tooth disease type 4H (CMT4H). Also called: CHARCOT-MARIE-TOOTH DISEASE, AUTOSOMAL RECESSIVE, TYPE 4H; CHARCOT-MARIE-TOOTH DISEASE, DEMYELINATING, AUTOSOMAL RECESSIVE, TYPE 4H; CHARCOT-MARIE-TOOTH NEUROPATHY, TYPE 4H; CHARCOT-MARIE-TOOTH DISEASE, DEMYELINATING, TYPE 4H. Identifiers: Orphanet 99954, MedGen C1836336, MONDO:0012250, OMIM 609311.

gnomAD v4.1: 3 of 1,614,056 alleles (0.00019%); highest among the groups gnomAD compares: Middle Eastern, 0.017%; no homozygotes.

Submissions (5):

Labcorp Genetics (formerly Invitae), Labcorp
Classification: Pathogenic for Charcot-Marie-Tooth disease type 4. Last evaluated: 2022-08-10. Review status: criteria provided, single submitter. Criteria: Invitae Variant Classification Sherloc (09022015). Collection method: clinical testing. Allele origin: germline.
Comment: ClinVar contains an entry for this variant (Variation ID: 38445). This missense change has been observed in individuals with Charcot-Marie-Tooth disease (PMID: 17564959, 17564972; Invitae). It has also been observed to segregate with disease in related individuals. This variant is not present in population databases (gnomAD no frequency). This sequence change replaces methionine, which is neutral and non-polar, with arginine, which is basic and polar, at codon 298 of the FGD4 protein (p.Met298Arg). Algorithms developed to predict the effect of sequence changes on RNA splicing suggest that this variant may create or strengthen a splice site. Algorithms developed to predict the effect of missense changes on protein structure and function (SIFT, PolyPhen-2, Align-GVGD) all suggest that this variant is likely to be disruptive. For these reasons, this variant has been classified as Pathogenic.

Inherited Neuropathy Consortium Ii, University Of Miami
Classification: Uncertain significance for Charcot-Marie-Tooth disease type 4H. Last evaluated: 2016-01-06. Review status: no assertion criteria provided. Collection method: literature only. Allele origin: germline. Affected: yes. Not counted in ClinVar's aggregate classification.

OMIM
Classification: Pathogenic for CHARCOT-MARIE-TOOTH DISEASE, DEMYELINATING, TYPE 4H. Last evaluated: 2007-07-01. Review status: no assertion criteria provided. Collection method: literature only. Allele origin: germline. Not counted in ClinVar's aggregate classification.

GeneReviews
No classification provided. Condition: Charcot-Marie-Tooth disease type 4H. Review status: no classification provided. Collection method: literature only. Allele origin: unknown. Not counted in ClinVar's aggregate classification.

Inherited Neuropathy Consortium
Classification: Uncertain significance for Charcot-Marie-Tooth disease. Review status: no assertion criteria provided. Collection method: literature only. Allele origin: germline. Affected: yes. Not counted in ClinVar's aggregate classification.

Literature cited by the submitters: PubMed 17564959 (cited by 4 submitters); PubMed 17564972 (cited by Labcorp Genetics (formerly Invitae), Labcorp and OMIM); PubMed 15744041 (cited by OMIM); PubMed 20301641 (cited by GeneReviews); NCBI Bookshelf NBK1468 (cited by GeneReviews).